The following is an entry in ClinVar:

NM_000038.6(APC):c.1060C>A (p.Pro354Thr)

Gene: APC (APC regulator of Wnt signaling pathway; plus strand). Cytogenetic location: 5q22.2.
Variant type: single nucleotide variant.
Coding change: c.1060C>A on transcript NM_000038.6 (MANE Select); coding-DNA position 1060, C replaced by A.
Protein change: p.Pro354Thr; replaces proline 354 with threonine.
Molecular consequence: missense variant. On other transcripts: intron variant (4).
Genome position (GRCh38, 1-based): chr5:112,819,092, C>A. VCF-style: chr5-112819092-C-A. GRCh37 (hg19) VCF-style: chr5-112154789-C-A.
Other names: c.1060C>A, p.Pro354Thr (NM_001127510.3, NM_001354895.2, NM_001354896.2); c.1006C>A, p.Pro336Thr (NM_001127511.3); c.1090C>A, p.Pro364Thr (NM_001354897.2); c.985C>A, p.Pro329Thr (NM_001354898.2); c.976C>A, p.Pro326Thr (NM_001354899.2); c.883C>A, p.Pro295Thr (NM_001354900.2, NM_001354901.2); c.211C>A, p.Pro71Thr (NM_001354906.2); c.964-177C>A (NM_001354902.2); and 3 more; short protein forms P336T, P354T, P329T, P364T, P326T, P295T, P71T.
Identifiers: ClinVar variation 582280 (VCV000582280.15), dbSNP rs556566281, ClinGen allele CA16023631.
Genomic context (GRCh38, chr5:112,819,092, plus strand): 5'-TTGCTAGCTATGTCTAGCTCCCAAGACAGCTGTATATCCATGCGACAGTCTGGATGTCTT[C>A]CTCTCCTCATCCAGCTTTTACATGGCAATGACAAAGACTCTGTATTGTTGGGAAATTCCC-3'
Protein context (NP_000029.2, residues 344-364): CISMRQSGCL[Pro354Thr]LLIQLLHGND

ClinVar aggregate classification (germline): Uncertain significance. Review status: criteria provided, multiple submitters, no conflicts (2 of 4 stars). 2 submissions from 2 submitters: Uncertain significance (2). Last evaluated 2025-05-13.

Conditions:
Familial adenomatous polyposis 1 (FAP1). Also called: FAMILIAL ADENOMATOUS POLYPOSIS 1, ATTENUATED; POLYPOSIS, ADENOMATOUS INTESTINAL. Identifiers: MedGen C2713442, MONDO:0021056, OMIM 175100. Disease mechanism: loss of function.
Hereditary cancer-predisposing syndrome. Also called: Neoplastic Syndromes, Hereditary; Hereditary Cancer Syndrome; Tumor predisposition; Hereditary neoplastic syndrome. Identifiers: Orphanet 140162, MedGen C0027672, MeSH D009386, MONDO:0015356.

Submissions (2):

Ambry Genetics
Classification: Uncertain significance for Hereditary cancer-predisposing syndrome. Last evaluated: 2025-05-13. Review status: criteria provided, single submitter. Criteria: Ambry Variant Classification Scheme 2023. Collection method: clinical testing. Allele origin: germline.
Comment: The p.P354T variant (also known as c.1060C>A), located in coding exon 9 of the APC gene, results from a C to A substitution at nucleotide position 1060. The proline at codon 354 is replaced by threonine, an amino acid with highly similar properties. This amino acid position is highly conserved in available vertebrate species. In addition, in silico predictors for this gene do not accurately predict pathogenicity. Missense alterations in APC are not a common cause of disease (Spier I et al. Genet Med. 2024 Feb;26(2):100992). Based on the available evidence, the clinical significance of this alteration remains unclear.

Labcorp Genetics (formerly Invitae), Labcorp
Classification: Uncertain significance for Familial adenomatous polyposis 1. Last evaluated: 2018-01-03. Review status: criteria provided, single submitter. Criteria: Invitae Variant Classification Sherloc (09022015). Collection method: clinical testing. Allele origin: germline.
Comment: In summary, the available evidence is currently insufficient to determine the role of this variant in disease. Therefore, it has been classified as a Variant of Uncertain Significance. Algorithms developed to predict the effect of missense changes on protein structure and function (SIFT, PolyPhen-2, Align-GVGD) all suggest that this variant is likely to be tolerated, but these predictions have not been confirmed by published functional studies and their clinical significance is uncertain. This variant has not been reported in the literature in individuals with APC-related disease. This variant is not present in population databases (ExAC no frequency). This sequence change replaces proline with threonine at codon 354 of the APC protein (p.Pro354Thr). The proline residue is highly conserved and there is a small physicochemical difference between proline and threonine.